The following is an entry in ClinVar:

NM_016239.4(MYO15A):c.8324G>A (p.Arg2775His)

Gene: MYO15A (myosin XVA; plus strand). Cytogenetic location: 17p11.2.
Variant type: single nucleotide variant.
Coding change: c.8324G>A on transcript NM_016239.4 (MANE Select); coding-DNA position 8324, G replaced by A.
Protein change: p.Arg2775His; replaces arginine 2775 with histidine.
Molecular consequence: missense variant.
Genome position (GRCh38, 1-based): chr17:18,155,209, G>A. VCF-style: chr17-18155209-G-A. GRCh37 (hg19) VCF-style: chr17-18058523-G-A.
Other names: short protein forms R2775H.
Identifiers: ClinVar variation 1301962 (VCV001301962.6), dbSNP rs773476384, ClinGen allele CA8425120.

ClinVar aggregate classification (germline): Conflicting classifications of pathogenicity. Review status: criteria provided, conflicting classifications (1 of 4 stars). 4 submissions from 4 submitters: Pathogenic (2); Likely pathogenic (1); Uncertain significance (1). Last evaluated 2024-11-02.

Conditions:
Autosomal recessive nonsyndromic hearing loss 3. Also called: NEUROSENSORY NONSYNDROMIC RECESSIVE DEAFNESS 3. Identifiers: Orphanet 90636, MedGen C1838263, MONDO:0010860, OMIM 600316.

Allele frequency attached by ClinVar (database versions not stated): ExAC 0.00001; gnomAD exomes 0.00001.
gnomAD v4.1: 18 of 1,613,816 alleles (0.0011%); highest among the groups gnomAD compares: East Asian, 0.0022%; no homozygotes.

Submissions (4):

ENT and Head and Neck Research Center and Department,  The Five Senses Health Institute, Iran University of Medical Sciences
Classification: Pathogenic for Autosomal recessive nonsyndromic hearing loss 3. Last evaluated: 2024-11-02. Review status: criteria provided, single submitter. Criteria: ClinGen HL ACMG Specifications v1. Collection method: clinical testing. Allele origin: germline. Affected: yes.
Comment: PM5: lternative variant chr17:18155209 G⇒T (Arg2775Leu) is classified Pathogenic, 1 star, by ClinVar (confirmed using the germline classifier).Alternative variant chr17:18155208 C⇒T (Arg2775Cys) is classified Likely Pathogenic, 1 star, by ClinVar (confirmed using the germline classifier).2 pathogenic alternative variants identified.; PP3: MetaRNN = 0.983 is greater than 0.939 ⇒ strong pathogenic., PP1: Hot-spot of length 17 amino-acids has 9 missense/in-frame variants (4 pathogenic variants, 5 uncertain variants and no benign), which qualifies as moderate pathogenic., PM3: For recessive disorders, identifying a variant in trans, PM2: Variant not found in gnomAD genomes, good gnomAD genomes coverage = 32.1.GnomAD exomes homozygous allele count = 0 is less than 2 for AR gene MYO15A, good gnomAD exomes coverage = 54.3., PP5: Combined evidence strength is Supporting (score = 1).Supporting: ClinVar classifies this variant as Pathogenic, 2 stars (reviewed Feb '24, 2 submissions), citing 4 articles (35346193, 30953472, 30733538 and 23767834).

Labcorp Genetics (formerly Invitae), Labcorp
Classification: Pathogenic. Last evaluated: 2023-06-17. Review status: criteria provided, single submitter. Criteria: Invitae Variant Classification Sherloc (09022015). Collection method: clinical testing. Allele origin: germline.
Comment: ClinVar contains an entry for this variant (Variation ID: 1301962). This sequence change replaces arginine, which is basic and polar, with histidine, which is basic and polar, at codon 2775 of the MYO15A protein (p.Arg2775His). This variant is not present in population databases (gnomAD no frequency). This missense change has been observed in individuals with nonsyndromic deafness (PMID: 23767834, 30733538, 30953472, 35346193). Advanced modeling of protein sequence and biophysical properties (such as structural, functional, and spatial information, amino acid conservation, physicochemical variation, residue mobility, and thermodynamic stability) performed at Invitae indicates that this missense variant is expected to disrupt MYO15A protein function. For these reasons, this variant has been classified as Pathogenic.

Blueprint Genetics
Classification: Uncertain significance. Last evaluated: 2019-03-06. Review status: criteria provided, single submitter. Criteria: ACMG Guidelines, 2015. Collection method: clinical testing. Allele origin: germline.

Molecular Diagnosis Center for Deafness
Classification: Likely pathogenic for Autosomal recessive nonsyndromic hearing loss 3. Review status: criteria provided, single submitter. Criteria: ClinGen HL ACMG Specifications v1. Collection method: clinical testing. Allele origin: maternal. Observed: 1 variant allele.

Literature cited by the submitters: DOI 10.1038/s41598-025-99417-7 (cited by ENT and Head and Neck Research Center and Department,  The Five Senses Health Institute, Iran University of Medical Sciences); PubMed 23767834 (cited by Labcorp Genetics (formerly Invitae), Labcorp); PubMed 30733538 (cited by Labcorp Genetics (formerly Invitae), Labcorp); PubMed 30953472 (cited by Labcorp Genetics (formerly Invitae), Labcorp); PubMed 35346193 (cited by Labcorp Genetics (formerly Invitae), Labcorp).